The following is an entry in ClinVar:

NM_014804.3(KIAA0753):c.200A>G (p.Asn67Ser)

Gene: KIAA0753 (KIAA0753; minus strand). Cytogenetic location: 17p13.1.
Variant type: single nucleotide variant.
Coding change: c.200A>G on transcript NM_014804.3 (MANE Select); coding-DNA position 200, A replaced by G.
Protein change: p.Asn67Ser; replaces asparagine 67 with serine.
Molecular consequence: missense variant. On other transcripts: 5 prime UTR variant (1), non-coding transcript variant (3).
Genome position (GRCh38, 1-based): chr17:6,628,635, T>C on the plus strand (A>G on the coding strand, the complement: KIAA0753 is on the minus strand). VCF-style: chr17-6628635-T-C. GRCh37 (hg19) VCF-style: chr17-6531955-T-C.
Other names: c.-1035A>G (NM_001351225.2); short protein forms N67S.
Identifiers: ClinVar variation 3288104 (VCV003288104.3).

ClinVar aggregate classification (germline): Uncertain significance. Review status: criteria provided, multiple submitters, no conflicts (2 of 4 stars). 2 submissions from 2 submitters: Uncertain significance (2). Last evaluated 2026-05-01.

Conditions:
Inborn genetic diseases. Identifiers: MedGen C0950123, MeSH D030342.

gnomAD v4.1: 49 of 1,614,200 alleles (0.003%); highest among the groups gnomAD compares: Middle Eastern, 0.016%; no homozygotes.

Submissions (2):

CeGaT Center for Human Genetics Tuebingen
Classification: Uncertain significance. Last evaluated: 2026-05-01. Review status: criteria provided, single submitter. Criteria: CeGaT Center For Human Genetics Tuebingen Variant Classification Criteria Version 2. Collection method: clinical testing. Allele origin: germline. Affected: yes. Observed: 3 variant alleles.
Comment: KIAA0753: PM2, PM3, BP4

Ambry Genetics
Classification: Uncertain significance for Inborn genetic diseases. Last evaluated: 2024-04-20. Review status: criteria provided, single submitter. Criteria: Ambry Variant Classification Scheme 2023. Collection method: clinical testing. Allele origin: germline.